The following is an entry in ClinVar:

ClinVar aggregate classification (germline): Pathogenic/Likely pathogenic. Review status: criteria provided, multiple submitters, no conflicts (2 of 4 stars). 13 submissions from 13 submitters: Pathogenic (11); Likely pathogenic (1). 1 of the submissions does not count toward it. Last evaluated 2025-12-19.

Conditions:
IVD-related disorder. Also called: IVD-related condition.
Isovaleryl-CoA dehydrogenase deficiency (IVA). Also called: IVD DEFICIENCY; Classic Isovaleric Acidemia; ISOVALERIC ACID CoA DEHYDROGENASE DEFICIENCY; Isovaleric acidemia. Identifiers: Orphanet 33, MedGen C0268575, MONDO:0009475, OMIM 243500.
Inborn genetic diseases. Identifiers: MedGen C0950123, MeSH D030342.

Allele frequency attached by ClinVar (database versions not stated): gnomAD exomes 0.00001 and 0.00003; ExAC 0.00002; ESP Exome Variant Server 0.00008; gnomAD 0.00011 and 0.00013; TOPMed 0.00014.
gnomAD v4.1: 44 of 1,614,074 alleles (0.0027%); highest among the groups gnomAD compares: African/African-American, 0.035%; no homozygotes.

Submissions (13):

Labcorp Genetics (formerly Invitae), Labcorp
Classification: Pathogenic for Isovaleryl-CoA dehydrogenase deficiency. Last evaluated: 2025-12-19. Review status: criteria provided, single submitter. Criteria: Invitae Variant Classification Sherloc (09022015). Collection method: clinical testing. Allele origin: germline.
Comment: This sequence change replaces glycine, which is neutral and non-polar, with arginine, which is basic and polar, at codon 123 of the IVD protein (p.Gly123Arg). The frequency data for this variant in the population databases is considered unreliable, as metrics indicate poor data quality at this position in the gnomAD database. This missense change has been observed in individuals with isovaleric acidemia (PMID: 22004070, 22350545, 27904153; internal data). It has also been observed to segregate with disease in related individuals. This variant is also known as c.358G>A (p.Gly91Arg). ClinVar contains an entry for this variant (Variation ID: 167199). An algorithm developed to predict the effect of missense changes on protein structure and function (PolyPhen-2) suggests that this variant is likely to be disruptive. This variant disrupts the p.Gly123 amino acid residue in IVD. Other variant(s) that disrupt this residue have been observed in individuals with IVD-related conditions (PMID: 15486829), which suggests that this may be a clinically significant amino acid residue. For these reasons, this variant has been classified as Pathogenic.

Natera, Inc.
Classification: Pathogenic for Isovaleryl-coa dehydrogenase deficiency. Last evaluated: 2025-12-16. Review status: criteria provided, single submitter. Criteria: Natera Variant Classification Schema (03/2026). Collection method: clinical testing. Allele origin: germline.
Comment: The c.367G>A variant in IVD is a missense variant predicted to cause substitution of glycine to arginine at amino acid 123. This variant is rare in the general population with a frequency below the threshold expected for the associated phenotype(s). This variant has been observed in one or more individuals affected with the associated recessive disease, as either homozygous or compound heterozygous with a second variant (PMID: 22350545). Additionally, this variant has been observed to segregate in affected family members (PMID: 22350545). Functional studies show that this variant may disrupt protein function (PMID: 22350545). Given the available evidence, this variant is classified as Pathogenic.

Dasa
Classification: Pathogenic. Last evaluated: 2025-08-26. Review status: criteria provided, single submitter. Criteria: DASA Assertion Criteria. Collection method: clinical testing. Allele origin: germline.
Comment: NM_002225.5(IVD):c.358G>A (p.Gly120Arg) is a missense variant that results in the substitution of glycine with arginine. The affected residue or protein region has prior evidence supporting clinical relevance. Segregation evidence has been reported in affected families. This variant has been observed in affected individuals with related phenotype in a genotype context consistent with recessive disease (PMID: 22350545; PMID: 37107695). Functional evidence supports a deleterious effect on the gene or gene product (PMID: 22350545; PMID: 37107695). This variant has been recurrently observed in individuals with related phenotype (PMID: 22350545; PMID: 37107695). Multiple computational predictions support a deleterious effect on the gene or gene product. The variant is present at low frequency in population datasets. Based on the available data, this variant is classified as pathogenic.

Ambry Genetics
Classification: Pathogenic for Inborn genetic diseases. Last evaluated: 2024-07-30. Review status: criteria provided, single submitter. Criteria: Ambry Variant Classification Scheme 2023. Collection method: clinical testing. Allele origin: germline.
Comment: The c.367G>A (p.G123R) alteration is located in exon 4 (coding exon 4) of the IVD gene. This alteration results from a G to an A substitution at nucleotide position 367, causing the glycine (G) at amino acid position 123 to be replaced by an arginine (R). Based on data from gnomAD, the A allele has an overall frequency of 0.004% (10/282872) total alleles studied. The highest observed frequency was 0.024% (6/24970) of African alleles. This alteration was detected in the homozygous state in multiple individuals with Isovaleric acidemia (Carling, 2018; Couce, 2017; Dercksen, 2012). This amino acid position is not well conserved in available vertebrate species. This alteration is predicted to be deleterious by in silico analysis. Based on the available evidence, this alteration is classified as pathogenic.

Blueprint Genetics
Classification: Pathogenic for IVD-related disorders. Last evaluated: 2024-07-18. Review status: criteria provided, single submitter. Criteria: ACMG Guidelines, 2015. Collection method: clinical testing. Allele origin: germline. Affected: yes. Observed: 5 variant alleles.

Baylor Genetics
Classification: Pathogenic for Isovaleryl-CoA dehydrogenase deficiency. Last evaluated: 2024-03-13. Review status: criteria provided, single submitter. Criteria: ACMG Guidelines, 2015. Collection method: clinical testing. Allele origin: unknown.

PreventionGenetics, part of Exact Sciences
Classification: Pathogenic for IVD-related condition. Last evaluated: 2023-09-05. Review status: criteria provided, single submitter. Criteria: ACMG Guidelines, 2015. Collection method: clinical testing. Allele origin: germline.
Comment: The IVD c.367G>A variant is predicted to result in the amino acid substitution p.Gly123Arg. This variant (also referred to in the literature as c.358G>A or p.Gly91Arg) has been reported with a second IVD variant or in the homozygous state in a number of individuals with isovaleric acidemia (Vatanavicharn et al. 2011. PubMed ID: 22004070; Dercksen et al. 2012. PubMed ID: 22350545; Couce et al. 2017. PubMed ID: 27904153; Carling et al. 2018. PubMed ID: 28631226). In fibroblasts from patients described by Derckesen et al. (2012), isovaleryl-CoA dehydrogenase activity was undetectable and protein levels were markedly reduced. We have also observed this variant internally in a number of presumably affected individuals. Based on these observations, we classify this variant as pathogenic.

Women's Health and Genetics/Laboratory Corporation of America, LabCorp
Classification: Pathogenic for Isovaleryl-CoA dehydrogenase deficiency. Last evaluated: 2023-03-30. Review status: criteria provided, single submitter. Criteria: LabCorp Variant Classification Summary - May 2015. Collection method: clinical testing. Allele origin: germline.
Comment: Variant summary: IVD c.358G>A (p.Gly120Arg) results in a non-conservative amino acid change in the encoded protein sequence. Four of four in-silico tools predict a damaging effect of the variant on protein function. The variant allele was found at a frequency of 2.8e-05 in 251468 control chromosomes (gnomAD). c.358G>A (also known as c.367G>A, p.G123R) has been reported in the literature in multiple homozygous individuals affected with Isovaleryl-CoA Dehydrogenase Deficiency (examples: Carling_2018 and Dercksen_2012). At least one publication reports experimental evidence evaluating an impact on protein function. IVD enzyme activity from 10 homozygous individuals were below the quantification level (LOQ) of the validated assay (Dercksen_2012). These data indicate that the variant is very likely to be associated with disease. Seven clinical diagnostic laboratories have submitted clinical-significance assessments for this variant to ClinVar after 2014 and all classified the variant as pathogenic/likely pathogenic. Based on the evidence outlined above, the variant was classified as pathogenic.

GeneDx
Classification: Pathogenic. Last evaluated: 2022-05-09. Review status: criteria provided, single submitter. Criteria: GeneDx Variant Classification Process June 2021. Collection method: clinical testing. Allele origin: germline. Affected: yes.
Comment: In silico analysis, which includes protein predictors and evolutionary conservation, supports a deleterious effect; Also known as p.(G91R) or p.(G120R); This variant is associated with the following publications: (PMID: 25087612, 15486829, 22350545, 32778825, 28535199, 28631226, 27904153, 22004070, 31442447)

Department of Genetics, Sultan Qaboos University Hospital
Classification: Pathogenic for Isovaleryl-CoA dehydrogenase deficiency. Last evaluated: 2017-12-30. Review status: criteria provided, single submitter. Criteria: ACMG Guidelines, 2015. Collection method: clinical testing. Allele origin: unknown. Affected: yes.

Fulgent Genetics
Classification: Likely pathogenic for Isovaleryl-CoA dehydrogenase deficiency. Last evaluated: 2017-05-18. Review status: criteria provided, single submitter. Criteria: ACMG Guidelines, 2015. Collection method: clinical testing. Allele origin: unknown.

Eurofins Ntd Llc (ga)
Classification: Pathogenic. Last evaluated: 2016-03-16. Review status: criteria provided, single submitter. Criteria: EGL Classification Definitions. Collection method: clinical testing. Allele origin: germline. Observed: 8 variant alleles, 8 heterozygotes.

Counsyl
Classification: Likely pathogenic for Isovaleryl-CoA dehydrogenase deficiency. Last evaluated: 2014-04-04. Review status: no assertion criteria provided. Collection method: literature only. Allele origin: unknown. Inheritance: Autosomal recessive inheritance. Not counted in ClinVar's aggregate classification.

Literature cited by the submitters: PubMed 22004070 (cited by Labcorp Genetics (formerly Invitae), Labcorp and Counsyl); PubMed 22350545 (cited by 6 submitters); PubMed 27904153 (cited by Labcorp Genetics (formerly Invitae), Labcorp and Ambry Genetics); PubMed 15486829 (cited by Labcorp Genetics (formerly Invitae), Labcorp and Counsyl); PubMed 37107695 (cited by Dasa); PubMed 28631226 (cited by Ambry Genetics and Women's Health and Genetics/Laboratory Corporation of America, LabCorp).

NM_002225.5(IVD):c.358G>A (p.Gly120Arg)

Gene: IVD (isovaleryl-CoA dehydrogenase; plus strand). Cytogenetic location: 15q15.1.
Variant type: single nucleotide variant.
Coding change: c.358G>A on transcript NM_002225.5 (MANE Select); coding-DNA position 358, G replaced by A.
Protein change: p.Gly120Arg; replaces glycine 120 with arginine.
Molecular consequence: missense variant. On other transcripts: non-coding transcript variant (1).
Genome position (GRCh38, 1-based): chr15:40,410,699, G>A. VCF-style: chr15-40410699-G-A. GRCh37 (hg19) VCF-style: chr15-40702898-G-A.
Other names: c.268G>A, p.Gly90Arg (NM_001159508.3); c.310G>A, p.Gly104Arg (NM_001354597.3); c.358G>A, p.Gly120Arg (NM_001354598.3, NM_001354601.3); c.445G>A, p.Gly149Arg (NM_001354599.3, NM_001354600.3); short protein forms G104R, G120R, G149R, G90R.
Identifiers: ClinVar variation 167199 (VCV000167199.33), dbSNP rs142761835, ClinGen allele CA234134.
Genomic context (GRCh38, chr15:40,410,699, plus strand): 5'-GGCTCCGGCCTGGGCTACCTGGAGCATGTGCTGGTGATGGAGGAGATATCCCGAGCTTCC[G>A]GAGCAGTGGGGCTCAGTTACGGTGCCCACTCCAACCTCTGCATCAACCAGCTTGTACGCA-3'
Protein context (NP_002216.3, residues 110-130): LVMEEISRAS[Gly120Arg]AVGLSYGAHS